The following is an entry in ClinVar:

ClinVar aggregate classification (germline): Likely pathogenic (1 of 4 stars; one submission).

Submission:

Labcorp Genetics (formerly Invitae), Labcorp
Classification: Likely pathogenic. Last evaluated: 2020-09-17. Review status: criteria provided, single submitter. Criteria: Invitae Variant Classification Sherloc (09022015). Collection method: clinical testing. Allele origin: germline.
Comment: This variant results in the deletion of part of exon 20 of the PHEX gene. It is expected to disrupt RNA splicing and likely results in an absent or disrupted protein product. This variant is not present in population databases (ExAC no frequency). This variant has not been reported in the literature in individuals with PHEX-related conditions. Algorithms developed to predict the effect of sequence changes on RNA splicing suggest that this variant may disrupt the consensus splice site, but this prediction has not been confirmed by published transcriptional studies. This variant disrupts a region of the protein in which other variant(s) (p.Ala689A) have been observed in individuals with PHEX-related conditions (PMID: 22101457). This suggests that this may be a clinically significant region of the PHEX protein. Loss-of-function variants in PHEX are known to be pathogenic (PMID: 9097956, 9106524, 19219621). In summary, the currently available evidence indicates that the variant is pathogenic, but additional data are needed to prove that conclusively. Therefore, this variant has been classified as Likely Pathogenic.

Literature cited by the submitters: PubMed 22101457; PubMed 9097956; PubMed 9106524; PubMed 19219621.

NM_000444.6(PHEX):c.2061_2070+7del

Genes: PHEX (phosphate regulating endopeptidase X-linked; plus strand), PTCHD1-AS (PTCHD1 antisense RNA (head to head); minus strand). Cytogenetic location: Xp22.11.
Variant type: Deletion.
Coding change: c.2061_2070+7del on transcript NM_000444.6 (MANE Select); coding-DNA position 2061 through 7 bases into the intron after coding-DNA position 2070, 17 bases deleted (TTATGCTCATGTGAGTA).
Molecular consequence: splice donor variant. On other transcripts: non-coding transcript variant (1).
Genome position (GRCh38, 1-based): chrX:22,227,602-22,227,618, TTATGCTCATGTGAGTA deleted. VCF-style (leftmost placement, unchanged base first): chrX-22227601-GTTATGCTCATGTGAGTA-G. GRCh37 (hg19) VCF-style: chrX-22245718-GTTATGCTCATGTGAGTA-G.
Other names: c.2061_2070+7del (NM_001282754.2).
Identifiers: ClinVar variation 1067953 (VCV001067953.2), dbSNP rs2147184841, ClinGen allele CA2499226591.